The following is an entry in ClinVar:

NM_002074.5(GNB1):c.805A>G (p.Ile269Val)

Gene: GNB1 (G protein subunit beta 1; minus strand). Cytogenetic location: 1p36.33.
Variant type: single nucleotide variant.
Coding change: c.805A>G on transcript NM_002074.5 (MANE Select); coding-DNA position 805, A replaced by G.
Protein change: p.Ile269Val; replaces isoleucine 269 with valine.
Molecular consequence: missense variant.
Genome position (GRCh38, 1-based): chr1:1,789,164, T>C on the plus strand (A>G on the coding strand, the complement: GNB1 is on the minus strand). VCF-style: chr1-1789164-T-C. GRCh37 (hg19) VCF-style: chr1-1720603-T-C.
Other names: c.505A>G, p.Ile169Val (NM_001282538.2); c.805A>G, p.Ile269Val (NM_001282539.2); short protein forms I169V, I269V.
Identifiers: ClinVar variation 2693012 (VCV002693012.3), dbSNP rs2522188335, ClinGen allele CA337904248.
Genomic context (GRCh38, chr1:1,789,164, plus strand): 5'-ACCCAGCAAGGAGGAGGCGCCCGCTCTTGGAGAAGGAGACAGAGGTGATCCCGCAGATGA[T>C]GTTGTCATGGGAGTAAGTCATGAGCTCCTGGTCAGCACGAAGGTCAAACAGCCTGCAGGT-3'
Protein context (NP_002065.1, residues 259-279): QELMTYSHDN[Ile269Val]ICGITSVSFS

ClinVar aggregate classification (germline): Uncertain significance (1 of 4 stars; one submission).

Allele frequency attached by ClinVar (database versions not stated): gnomAD exomes below 0.00001.
gnomAD v4.1: 4 of 1,613,960 alleles (0.00025%); highest among the groups gnomAD compares: Non-Finnish European, 0.00034%; no homozygotes.

Submission:

Labcorp Genetics (formerly Invitae), Labcorp
Classification: Uncertain significance. Last evaluated: 2023-06-05. Review status: criteria provided, single submitter. Criteria: Invitae Variant Classification Sherloc (09022015). Collection method: clinical testing. Allele origin: germline.
Comment: In summary, the available evidence is currently insufficient to determine the role of this variant in disease. Therefore, it has been classified as a Variant of Uncertain Significance. Advanced modeling of protein sequence and biophysical properties (such as structural, functional, and spatial information, amino acid conservation, physicochemical variation, residue mobility, and thermodynamic stability) performed at Invitae indicates that this missense variant is not expected to disrupt GNB1 protein function. This variant has not been reported in the literature in individuals affected with GNB1-related conditions. This variant is not present in population databases (gnomAD no frequency). This sequence change replaces isoleucine, which is neutral and non-polar, with valine, which is neutral and non-polar, at codon 269 of the GNB1 protein (p.Ile269Val).